The following is an entry in ClinVar:

NM_020547.3(AMHR2):c.170A>G (p.Tyr57Cys)

Gene: AMHR2 (anti-Mullerian hormone receptor type 2; plus strand). Cytogenetic location: 12q13.13.
Variant type: single nucleotide variant.
Coding change: c.170A>G on transcript NM_020547.3 (MANE Select); coding-DNA position 170, A replaced by G.
Protein change: p.Tyr57Cys; replaces tyrosine 57 with cysteine.
Molecular consequence: missense variant.
Genome position (GRCh38, 1-based): chr12:53,424,408, A>G. VCF-style: chr12-53424408-A-G. GRCh37 (hg19) VCF-style: chr12-53818192-A-G.
Other names: c.170A>G, p.Tyr57Cys (NM_001164690.2, NM_001164691.2); short protein forms Y57C.
Identifiers: ClinVar variation 1337646 (VCV001337646.4), dbSNP rs574868905, ClinGen allele CA6600240.

ClinVar aggregate classification (germline): Uncertain significance (1 of 4 stars; one submission).

Allele frequency attached by ClinVar (database versions not stated): 1000 Genomes Project 30x 0.00016; 1000 Genomes Project 0.00020.

Submission:

Genetic Services Laboratory, University of Chicago
Classification: Uncertain significance. Last evaluated: 2020-06-01. Review status: criteria provided, single submitter. Criteria: ACMG Guidelines, 2015. Collection method: clinical testing. Allele origin: germline. Affected: no.
Comment: DNA sequence analysis of the AMHR2 gene demonstrated a sequence change, c.170A>G, in exon 2 that results in an amino acid change, p.Tyr57Cys. This sequence change does not appear to have been previously described in patients with AMHR2-related disorders and has been described in the gnomAD database with a low population frequency of 0.0016% (dbSNP rs574868905). The p.Tyr57Cys change affects a highly conserved amino acid residue located in a domain of the AMHR2 protein that is known to be functional. The p.Tyr57Cys substitution appears to be deleterious using several in-silico pathogenicity prediction tools (SIFT, PolyPhen2, Align GVGD, REVEL). Due to these evidences and the lack of functional studies, the clinical significance of the p.Tyr57Cys change remains unknown at this time.